The following is an entry in ClinVar:

ClinVar aggregate classification (germline): Uncertain significance (1 of 4 stars; one submission).

Conditions:
Mitochondrial DNA depletion syndrome 9 (MTDPS9). Also called: SUCLG1-Related Mitochondrial DNA Depletion Syndrome, Encephalomyopathic Form with Methylmalonic Aciduria. Identifiers: Orphanet 17, MedGen C3151476, MONDO:0009504, OMIM 245400.

Submission:

Labcorp Genetics (formerly Invitae), Labcorp
Classification: Uncertain significance for Mitochondrial DNA depletion syndrome 9. Last evaluated: 2022-08-09. Review status: criteria provided, single submitter. Criteria: Invitae Variant Classification Sherloc (09022015). Collection method: clinical testing. Allele origin: germline.
Comment: A copy number gain of the genomic region encompassing the full coding sequence of the SUCLG1 gene has been identified. The boundaries of this event are unknown as they extend beyond the assayed region for this gene and therefore may encompass additional genes. As the precise location of this event is unknown, it may be in tandem or it may be located elsewhere in the genome. This variant has not been reported in the literature in individuals affected with SUCLG1-related conditions. In summary, the available evidence is currently insufficient to determine the role of this variant in disease. Therefore, it has been classified as a Variant of Uncertain Significance.

NC_000002.11:g.(?_84650870)_(84686393_?)dup

Gene: SUCLG1 (succinate-CoA ligase GDP/ADP-forming subunit alpha; minus strand). Cytogenetic location: 2p11.2.
Variant type: Duplication.
Identifiers: ClinVar variation 2424778 (VCV002424778.3).